The following is an entry in ClinVar:

NM_001349206.2(LPIN1):c.309G>T (p.Leu103=)

Gene: LPIN1 (lipin 1; plus strand). Cytogenetic location: 2p25.1.
Variant type: single nucleotide variant.
Coding change: c.309G>T on transcript NM_001349206.2 (MANE Select); coding-DNA position 309, G replaced by T.
Protein change: p.Leu103=; no amino-acid change (leucine 103 retained).
Molecular consequence: synonymous variant. On other transcripts: non-coding transcript variant (1).
Genome position (GRCh38, 1-based): chr2:11,771,392, G>T. VCF-style: chr2-11771392-G-T. GRCh37 (hg19) VCF-style: chr2-11911518-G-T.
Other names: c.327G>T, p.Leu109= (NM_001261427.3); c.456G>T, p.Leu152= (NM_001261428.3, NM_001349208.2); c.309G>T, p.Leu103= (NM_001349199.2, NM_001349200.2, NM_001349201.2 and 5 more transcripts); c.399G>T, p.Leu133= (NM_001349207.2).
Identifiers: ClinVar variation 893030 (VCV000893030.10), dbSNP rs140846512, ClinGen allele CA1533406.
Genomic context (GRCh38, chr2:11,771,392, plus strand): 5'-ATTAACGAGGCTCTTTTTAGAAAATGTGTTCTTTTCTTAGGAAGTTATCCCTATGCACCT[G>T]GCCACCTCCCCCATCCTGTCAGAAGGAGCTTCGAGAATGGAATGCCAGCTGAAAAGGGGC-3'
Protein context (NP_001336135.1, residues 93-113): DNDQEVIPMH[Leu103=]ATSPILSEGA

ClinVar aggregate classification (germline): Conflicting classifications of pathogenicity. Review status: criteria provided, conflicting classifications (1 of 4 stars). 3 submissions from 3 submitters: Uncertain significance (1); Benign (1). 1 of the submissions does not count toward it. Last evaluated 2025-02-09.

Conditions:
LPIN1-related disorder. Also called: LPIN1-related condition.
Myoglobinuria, acute recurrent, autosomal recessive. Also called: Myoglobinuria, recurrent, autosomal recessive; MYOGLOBINURIA, FAMILIAL PAROXYSMAL PARALYTIC; RHABDOMYOLYSIS, ACUTE RECURRENT. Identifiers: Orphanet 99845, MedGen C1849386, MONDO:0009992, OMIM 268200.

Allele frequency attached by ClinVar (database versions not stated): gnomAD 0.00002 and 0.00005; 1000 Genomes Project 30x 0.00016; 1000 Genomes Project 0.00020; TOPMed 0.00004; ESP Exome Variant Server 0.00008; ExAC 0.00026.
gnomAD v4.1: 200 of 1,614,186 alleles (0.012%); highest among the groups gnomAD compares: South Asian, 0.16%; 5 homozygotes.

Submissions (3):

Labcorp Genetics (formerly Invitae), Labcorp
Classification: Benign. Last evaluated: 2025-02-09. Review status: criteria provided, single submitter. Criteria: Invitae Variant Classification Sherloc (09022015). Collection method: clinical testing. Allele origin: germline.

Illumina Laboratory Services, Illumina
Classification: Uncertain significance for Myoglobinuria, acute recurrent, autosomal recessive. Last evaluated: 2018-01-12. Review status: criteria provided, single submitter. Criteria: ICSL Variant Classification Criteria 13 December 2019. Collection method: clinical testing. Allele origin: germline.

PreventionGenetics, part of Exact Sciences
Classification: Likely benign for LPIN1-related condition. Last evaluated: 2019-06-27. Review status: no assertion criteria provided. Collection method: clinical testing. Allele origin: germline. Not counted in ClinVar's aggregate classification.
Comment: This variant is classified as likely benign based on ACMG/AMP sequence variant interpretation guidelines (Richards et al. 2015 PMID: 25741868, with internal and published modifications).